The following is an entry in ClinVar:

ClinVar aggregate classification (germline): Conflicting classifications of pathogenicity. Review status: criteria provided, conflicting classifications (1 of 4 stars). 6 submissions from 6 submitters: Uncertain significance (5); Likely benign (1). Last evaluated 2026-08-06.

Conditions:
CUBN-related disorder. Also called: CUBN-related condition.
Imerslund-Grasbeck syndrome type 1 (IGS1). Also called: Megaloblastic anemia 1, Finnish type; MEGALOBLASTIC ANEMIA, 1; Imerslund-Gräsbeck syndrome 1. Identifiers: MedGen C4016819, MONDO:0100156, OMIM 261100.
Proteinuria, chronic benign. Identifiers: MedGen C5394384, MONDO:0030042, OMIM 618884.
Inborn genetic diseases. Identifiers: MedGen C0950123, MeSH D030342.
Imerslund-Grasbeck syndrome. Also called: Imerslund-Gräsbeck syndrome; ENTEROCYTE COBALAMIN MALABSORPTION; ENTEROCYTE INTRINSIC FACTOR RECEPTOR, DEFECT OF; PERNICIOUS ANEMIA, JUVENILE, DUE TO SELECTIVE INTESTINAL MALABSORPTION OF VITAMIN B12, WITH PROTEINURIA; Megaloblastic anemia due to inborn errors of metabolism. Identifiers: Orphanet 35858, MedGen C4551825, MONDO:0009853.

Allele frequency attached by ClinVar (database versions not stated): 1000 Genomes Project 30x 0.00016; 1000 Genomes Project 0.00020; TOPMed 0.00030; ESP Exome Variant Server 0.00038.
gnomAD v4.1: 67 of 1,614,104 alleles (0.0042%); highest among the groups gnomAD compares: African/African-American, 0.068%; no homozygotes.

Submissions (6):

PreventionGenetics, part of Exact Sciences
Classification: Uncertain significance for CUBN-related condition. Last evaluated: 2026-08-06. Review status: criteria provided, single submitter. Criteria: ACMG Guidelines, 2015. Collection method: clinical testing. Allele origin: germline.
Comment: The CUBN c.4838G>T variant is predicted to result in the amino acid substitution p.Arg1613Leu. To our knowledge, this variant has not been reported in the literature. This variant is reported in 0.064% of alleles in individuals of African descent in gnomAD. Although we suspect that this variant may be benign, at this time, the clinical significance of this variant is uncertain due to the absence of conclusive functional and genetic evidence.

Labcorp Genetics (formerly Invitae), Labcorp
Classification: Uncertain significance for Imerslund-Grasbeck syndrome. Last evaluated: 2025-06-12. Review status: criteria provided, single submitter. Criteria: Invitae Variant Classification Sherloc (09022015). Collection method: clinical testing. Allele origin: germline.
Comment: This sequence change replaces arginine, which is basic and polar, with leucine, which is neutral and non-polar, at codon 1613 of the CUBN protein (p.Arg1613Leu). This variant is present in population databases (rs147343635, gnomAD 0.06%). This variant has not been reported in the literature in individuals affected with CUBN-related conditions. ClinVar contains an entry for this variant (Variation ID: 2152383). Invitae Evidence Modeling of protein sequence and biophysical properties (such as structural, functional, and spatial information, amino acid conservation, physicochemical variation, residue mobility, and thermodynamic stability) indicates that this missense variant is not expected to disrupt CUBN protein function with a negative predictive value of 80%. In summary, the available evidence is currently insufficient to determine the role of this variant in disease. Therefore, it has been classified as a Variant of Uncertain Significance.

Fulgent Genetics
Classification: Uncertain significance for Imerslund-Grasbeck syndrome type 1; Proteinuria, chronic benign. Last evaluated: 2024-05-23. Review status: criteria provided, single submitter. Criteria: ACMG Guidelines, 2015. Collection method: clinical testing. Allele origin: germline.

Ambry Genetics
Classification: Likely benign for Inborn genetic diseases. Last evaluated: 2024-03-15. Review status: criteria provided, single submitter. Criteria: Ambry Variant Classification Scheme 2023. Collection method: clinical testing. Allele origin: germline.

GeneDx
Classification: Uncertain significance. Last evaluated: 2024-01-08. Review status: criteria provided, single submitter. Criteria: GeneDx Variant Classification Process June 2021. Collection method: clinical testing. Allele origin: germline. Affected: yes.
Comment: In silico analysis supports that this missense variant has a deleterious effect on protein structure/function; Has not been previously published as pathogenic or benign to our knowledge

Mayo Clinic Laboratories, Mayo Clinic
Classification: Uncertain significance. Last evaluated: 2023-05-03. Review status: criteria provided, single submitter. Criteria: ACMG Guidelines, 2015. Collection method: clinical testing. Allele origin: germline. Observed: 1 variant allele.
Comment: BP4

NM_001081.4(CUBN):c.4838G>T (p.Arg1613Leu)

Gene: CUBN (cubilin; minus strand). Cytogenetic location: 10p13.
Variant type: single nucleotide variant.
Coding change: c.4838G>T on transcript NM_001081.4 (MANE Select); coding-DNA position 4838, G replaced by T.
Protein change: p.Arg1613Leu; replaces arginine 1613 with leucine.
Molecular consequence: missense variant.
Genome position (GRCh38, 1-based): chr10:16,954,406, C>A on the plus strand (G>T on the coding strand, the complement: CUBN is on the minus strand). VCF-style: chr10-16954406-C-A. GRCh37 (hg19) VCF-style: chr10-16996405-C-A.
Other names: p.Arg1613Leu; short protein forms R1613L.
Identifiers: ClinVar variation 2152383 (VCV002152383.10), dbSNP rs147343635, ClinGen allele CA5424243.